The following is an entry in ClinVar:

NM_001903.5(CTNNA1):c.2328G>A (p.Leu776=)

Gene: CTNNA1 (catenin alpha 1; plus strand). Cytogenetic location: 5q31.2.
Variant type: single nucleotide variant.
Coding change: c.2328G>A on transcript NM_001903.5 (MANE Select); coding-DNA position 2328, G replaced by A.
Protein change: p.Leu776=; no amino-acid change (leucine 776 retained).
Molecular consequence: synonymous variant. On other transcripts: intron variant (1).
Genome position (GRCh38, 1-based): chr5:138,932,607, G>A. VCF-style: chr5-138932607-G-A. GRCh37 (hg19) VCF-style: chr5-138268296-G-A.
Other names: c.2328G>A, p.Leu776= (NM_001290307.3, NM_001323982.2, NM_001323983.1 and 2 more transcripts); c.2019G>A, p.Leu673= (NM_001290309.3); c.1959G>A, p.Leu653= (NM_001290310.3); c.1218G>A, p.Leu406= (NM_001290312.1, NM_001323987.1, NM_001323988.1 and 16 more transcripts); c.2235G>A, p.Leu745= (NM_001323986.2); c.879G>A, p.Leu293= (NM_001324006.1, NM_001324007.1, NM_001324008.1 and 2 more transcripts); c.1125G>A, p.Leu375= (NM_001324011.1); c.975G>A, p.Leu325= (NM_001324012.1, NM_001324013.1); and 1 more.
Identifiers: ClinVar variation 702516 (VCV000702516.18), dbSNP rs774704189, ClinGen allele CA3432170.

ClinVar aggregate classification (germline): Benign/Likely benign. Review status: criteria provided, multiple submitters, no conflicts (2 of 4 stars). 5 submissions from 5 submitters: Benign (1); Likely benign (4). Last evaluated 2026-01-05.

Conditions:
Hereditary diffuse gastric adenocarcinoma (HDGC). Also called: DIFFUSE GASTRIC AND LOBULAR BREAST CANCER SYNDROME. Identifiers: Orphanet 26106, MedGen C1708349, MONDO:0007648, OMIM 137215.
Hereditary cancer-predisposing syndrome. Also called: Tumor predisposition; Hereditary neoplastic syndrome; Neoplastic Syndromes, Hereditary; Hereditary Cancer Syndrome. Identifiers: Orphanet 140162, MedGen C0027672, MeSH D009386, MONDO:0015356.
Hereditary nonpolyposis colon cancer (HNPCC). Also called: Hereditary Nonpolyposis Colorectal Cancer Syndrome; Hereditary nonpolyposis colorectal cancer; Familial nonpolyposis colon cancer. Identifiers: Orphanet 443909, MedGen C1333990, MONDO:0018630. Disease mechanism: loss of function.

Allele frequency attached by ClinVar (database versions not stated): gnomAD exomes below 0.00001; gnomAD 0.00001; TOPMed 0.00001.
gnomAD v4.1: 13 of 1,614,172 alleles (0.00081%); highest among the groups gnomAD compares: Middle Eastern, 0.049%; no homozygotes.

Submissions (5):

Labcorp Genetics (formerly Invitae), Labcorp
Classification: Likely benign. Last evaluated: 2026-01-05. Review status: criteria provided, single submitter. Criteria: Invitae Variant Classification Sherloc (09022015). Collection method: clinical testing. Allele origin: germline.

Center for Genomic Medicine, Rigshospitalet, Copenhagen University Hospital
Classification: Likely benign. Last evaluated: 2025-03-04. Review status: criteria provided, single submitter. Criteria: ACMG Guidelines, 2015. Collection method: clinical testing. Allele origin: germline.

Myriad Genetics, Inc.
Classification: Benign for Hereditary diffuse gastric adenocarcinoma. Last evaluated: 2024-10-15. Review status: criteria provided, single submitter. Criteria: Myriad Autosomal Dominant, Autosomal Recessive and X-Linked Classification Criteria (2023). Collection method: clinical testing. Allele origin: unknown.
Comment: This variant is considered benign. This variant is a silent/synonymous amino acid change and it is not expected to impact splicing.

Department of Pathology and Laboratory Medicine, Sinai Health System
Classification: Likely benign for hereditary nonpolyposis colon cancer. Last evaluated: 2022-10-13. Review status: criteria provided, single submitter. Criteria: ACMG Guidelines, 2015. Collection method: clinical testing. Allele origin: germline.

Ambry Genetics
Classification: Likely benign for Hereditary cancer-predisposing syndrome. Last evaluated: 2019-08-13. Review status: criteria provided, single submitter. Criteria: Ambry Variant Classification Scheme 2023. Collection method: clinical testing. Allele origin: germline.